The following is an entry in ClinVar:

NM_144573.4(NEXN):c.1244T>C (p.Met415Thr)

Gene: NEXN (nexilin F-actin binding protein; plus strand). Cytogenetic location: 1p31.1.
Variant type: single nucleotide variant.
Coding change: c.1244T>C on transcript NM_144573.4 (MANE Select); coding-DNA position 1244, T replaced by C.
Protein change: p.Met415Thr; replaces methionine 415 with threonine.
Molecular consequence: missense variant.
Genome position (GRCh38, 1-based): chr1:77,933,472, T>C. VCF-style: chr1-77933472-T-C. GRCh37 (hg19) VCF-style: chr1-78399157-T-C.
Other names: c.1052T>C, p.Met351Thr (NM_001172309.2); short protein forms M415T, M351T.
Identifiers: ClinVar variation 538108 (VCV000538108.8), dbSNP rs1172366391, ClinGen allele CA340877266.

ClinVar aggregate classification (germline): Uncertain significance. Review status: criteria provided, multiple submitters, no conflicts (2 of 4 stars). 3 submissions from 3 submitters: Uncertain significance (3). Last evaluated 2026-07-29.

Conditions:
NEXN-related disorder. Also called: NEXN-related disorders; NEXN-related condition.
Cardiovascular phenotype. Identifiers: MedGen CN230736.
Dilated cardiomyopathy 1CC (CMD1CC). Identifiers: Orphanet 154, MedGen C2751084, MONDO:0013147, OMIM 613122.
Hypertrophic cardiomyopathy 20. Identifiers: MedGen C3151267, MONDO:0013477, OMIM 613876.

Allele frequency attached by ClinVar (database versions not stated): gnomAD exomes below 0.00001 and 0.00001; TOPMed below 0.00001; gnomAD 0.00001.
gnomAD v4.1: 15 of 1,603,904 alleles (0.00094%); highest among the groups gnomAD compares: Non-Finnish European, 0.0013%; no homozygotes.

Submissions (3):

PreventionGenetics, part of Exact Sciences
Classification: Uncertain significance for NEXN-related condition. Last evaluated: 2026-07-29. Review status: criteria provided, single submitter. Criteria: ACMG Guidelines, 2015. Collection method: clinical testing. Allele origin: germline.
Comment: The NEXN c.1244T>C variant is predicted to result in the amino acid substitution p.Met415Thr. To our knowledge, this variant has not been reported in the literature. This variant is reported in 0.00089% of alleles in individuals of European (Non-Finnish) descent in gnomAD. At this time, the clinical significance of this variant is uncertain due to the absence of conclusive functional and genetic evidence.

Ambry Genetics
Classification: Uncertain significance for Cardiovascular phenotype. Last evaluated: 2022-05-24. Review status: criteria provided, single submitter. Criteria: Ambry Variant Classification Scheme 2023. Collection method: clinical testing. Allele origin: germline.
Comment: The p.M415T variant (also known as c.1244T>C), located in coding exon 9 of the NEXN gene, results from a T to C substitution at nucleotide position 1244. The methionine at codon 415 is replaced by threonine, an amino acid with similar properties. This amino acid position is conserved. In addition, the in silico prediction for this alteration is inconclusive. Since supporting evidence is limited at this time, the clinical significance of this alteration remains unclear.

Labcorp Genetics (formerly Invitae), Labcorp
Classification: Uncertain significance for Dilated cardiomyopathy 1CC; Hypertrophic cardiomyopathy 20. Last evaluated: 2022-02-24. Review status: criteria provided, single submitter. Criteria: Invitae Variant Classification Sherloc (09022015). Collection method: clinical testing. Allele origin: germline.
Comment: This sequence change replaces methionine, which is neutral and non-polar, with threonine, which is neutral and polar, at codon 415 of the NEXN protein (p.Met415Thr). This variant is present in population databases (no rsID available, gnomAD 0.0009%). This variant has not been reported in the literature in individuals affected with NEXN-related conditions. ClinVar contains an entry for this variant (Variation ID: 538108). Algorithms developed to predict the effect of missense changes on protein structure and function are either unavailable or do not agree on the potential impact of this missense change (SIFT: "Deleterious"; PolyPhen-2: "Possibly Damaging"; Align-GVGD: "Class C0"). In summary, the available evidence is currently insufficient to determine the role of this variant in disease. Therefore, it has been classified as a Variant of Uncertain Significance.